The following is an entry in ClinVar:

ClinVar aggregate classification (germline): Uncertain significance (1 of 4 stars; one submission).

Conditions:
Chuvash polycythemia. Also called: POLYCYTHEMIA, VHL-DEPENDENT. Identifiers: Orphanet 238557, MedGen C1837915, MONDO:0009892, OMIM 263400.
Von Hippel-Lindau syndrome (VHLS). Also called: von Hippel–Lindau syndrome; VHL syndrome; Von Hippel-Lindau. Identifiers: Orphanet 892, MedGen C0019562, MONDO:0008667, OMIM 193300. Disease mechanism: loss of function.

Submission:

Labcorp Genetics (formerly Invitae), Labcorp
Classification: Uncertain significance for Von Hippel-Lindau syndrome; Chuvash polycythemia. Last evaluated: 2022-12-20. Review status: criteria provided, single submitter. Criteria: Invitae Variant Classification Sherloc (09022015). Collection method: clinical testing. Allele origin: germline.
Comment: This sequence change falls in intron 1 of the VHL gene. It is not expected to change the encoded amino acid sequence of the VHL protein. However, this sequence change falls within a cryptic exon in the VHL gene, known as exon E1’, which is naturally expressed at low levels in several human tissues (PMID: 29891534). This variant is not present in population databases (gnomAD no frequency). This variant has not been reported in the literature in individuals affected with VHL-related conditions. Algorithms developed to predict the effect of sequence changes on RNA splicing suggest that this variant is not likely to affect RNA splicing. In summary, the available evidence is currently insufficient to determine the role of this variant in disease. Therefore, it has been classified as a Variant of Uncertain Significance.

Literature cited by the submitters: PubMed 29891534.

NM_000551.4(VHL):c.340+799A>C

Genes: VHL (von Hippel-Lindau tumor suppressor; plus strand), LOC107303340 (3p25 von Hippel-Lindau tumor suppressor, E3 ubiquitin protein ligase Alu-mediated recombination region; plus strand). Cytogenetic location: 3p25.3.
Variant type: single nucleotide variant.
Coding change: c.340+799A>C on transcript NM_000551.4 (MANE Select); 799 bases into the intron after coding-DNA position 340, A replaced by C.
Molecular consequence: intron variant. On other transcripts: missense variant (1), non-coding transcript variant (1).
Genome position (GRCh38, 1-based): chr3:10,142,986, A>C. VCF-style: chr3-10142986-A-C. GRCh37 (hg19) VCF-style: chr3-10184670-A-C.
Other names: c.564A>C, p.Glu188Asp (NM_001354723.2); c.340+799A>C (NM_198156.3); short protein forms E188D.
Identifiers: ClinVar variation 2942417 (VCV002942417.3), dbSNP rs2470160317, ClinGen allele CA2740090926.